The following is an entry in ClinVar:

ClinVar aggregate classification (germline): Uncertain significance (1 of 4 stars; one submission).

Conditions:
Hereditary sensory and autonomic neuropathy type 6. Also called: HSAN VI; Neuropathy, hereditary sensory and autonomic, type VI. Identifiers: Orphanet 314381, MedGen C3539003, MONDO:0013839, OMIM 614653.
Epidermolysis bullosa simplex 3, localized or generalized intermediate, with BP230 deficiency (EBS3). Also called: Epidermolysis bullosa simplex, autosomal recessive 2; Epidermolysis bullosa simplex due to BP230 deficiency. Identifiers: Orphanet 412181, MedGen C3809470, MONDO:0014180, OMIM 615425.

Allele frequency attached by ClinVar (database versions not stated): gnomAD exomes below 0.00001 and 0.00001; ExAC 0.00001; gnomAD 0.00002; TOPMed 0.00003.
gnomAD v4.1: 16 of 1,609,104 alleles (0.00099%); highest among the groups gnomAD compares: African/African-American, 0.004%; no homozygotes.

Submission:

Labcorp Genetics (formerly Invitae), Labcorp
Classification: Uncertain significance for Epidermolysis bullosa simplex 3, localized or generalized intermediate, with BP230 deficiency; Hereditary sensory and autonomic neuropathy type 6. Last evaluated: 2022-08-10. Review status: criteria provided, single submitter. Criteria: Invitae Variant Classification Sherloc (09022015). Collection method: clinical testing. Allele origin: germline.
Comment: This sequence change replaces isoleucine, which is neutral and non-polar, with valine, which is neutral and non-polar, at codon 842 of the DST protein (p.Ile842Val). This variant is present in population databases (rs765835948, gnomAD 0.007%). This variant has not been reported in the literature in individuals affected with DST-related conditions. ClinVar contains an entry for this variant (Variation ID: 863969). Algorithms developed to predict the effect of missense changes on protein structure and function output the following: SIFT: "Tolerated"; PolyPhen-2: "Benign"; Align-GVGD: "Class C0". The valine amino acid residue is found in multiple mammalian species, which suggests that this missense change does not adversely affect protein function. In summary, the available evidence is currently insufficient to determine the role of this variant in disease. Therefore, it has been classified as a Variant of Uncertain Significance.

NM_001374736.1(DST):c.4135A>G (p.Ile1379Val)

Gene: DST (dystonin; minus strand). Cytogenetic location: 6p12.1.
Variant type: single nucleotide variant.
Coding change: c.4135A>G on transcript NM_001374736.1 (MANE Select); coding-DNA position 4135, A replaced by G.
Protein change: p.Ile1379Val; replaces isoleucine 1379 with valine.
Molecular consequence: missense variant.
Genome position (GRCh38, 1-based): chr6:56,631,218, T>C on the plus strand (A>G on the coding strand, the complement: DST is on the minus strand). VCF-style: chr6-56631218-T-C. GRCh37 (hg19) VCF-style: chr6-56496016-T-C.
Other names: c.4036A>G, p.Ile1346Val (NM_001144769.5); c.3622A>G, p.Ile1208Val (NM_001144770.2); c.4135A>G, p.Ile1379Val (NM_001374722.1); c.3502A>G, p.Ile1168Val (NM_001374729.1, NM_001374730.1, NM_001386100.1 and 1 more transcripts); c.4162A>G, p.Ile1388Val (NM_001374734.1); c.2524A>G, p.Ile842Val (NM_001723.7, NM_015548.5); short protein forms I1346V, I1388V, I1208V, I1379V, I1168V, I842V.
Identifiers: ClinVar variation 863969 (VCV000863969.7), dbSNP rs765835948, ClinGen allele CA3870974.